The following is an entry in ClinVar:

ClinVar aggregate classification (germline): Uncertain significance (1 of 4 stars; one submission).

Conditions:
Cortical dysplasia-focal epilepsy syndrome (PTHSL1). Also called: Pitt-Hopkins-like syndrome 1. Identifiers: Orphanet 163681, Orphanet 221150, MedGen C2750246, MONDO:0012400, OMIM 610042.

Submission:

Labcorp Genetics (formerly Invitae), Labcorp
Classification: Uncertain significance for Cortical dysplasia-focal epilepsy syndrome. Last evaluated: 2020-09-20. Review status: criteria provided, single submitter. Criteria: Invitae Variant Classification Sherloc (09022015). Collection method: clinical testing. Allele origin: germline.
Comment: In summary, the available evidence is currently insufficient to determine the role of this variant in disease. Therefore, it has been classified as a Variant of Uncertain Significance. Algorithms developed to predict the effect of sequence changes on RNA splicing suggest that this variant is not likely to affect RNA splicing, but this prediction has not been confirmed by published transcriptional studies. This sequence change affects codon 794 of the CNTNAP2 mRNA. It is a 'silent' change, meaning that it does not change the encoded amino acid sequence of the CNTNAP2 protein. This variant is not present in population databases (ExAC no frequency). This variant has not been reported in the literature in individuals with CNTNAP2-related conditions.

NM_014141.6(CNTNAP2):c.2382C>T (p.Asp794=)

Gene: CNTNAP2 (contactin associated protein 2; plus strand). Cytogenetic location: 7q35.
Variant type: single nucleotide variant.
Coding change: c.2382C>T on transcript NM_014141.6 (MANE Select); coding-DNA position 2382, C replaced by T.
Protein change: p.Asp794=; no amino-acid change (aspartic acid 794 retained).
Molecular consequence: synonymous variant.
Genome position (GRCh38, 1-based): chr7:147,977,988, C>T. VCF-style: chr7-147977988-C-T. GRCh37 (hg19) VCF-style: chr7-147675080-C-T.
Identifiers: ClinVar variation 1007833 (VCV001007833.9), dbSNP rs1801460056, ClinGen allele CA458506945.
Genomic context (GRCh38, chr7:147,977,988, plus strand): 5'-TACTGACCGTCAAGGCTCAGAAGCCAAATTGAGCGTAGGTCCTCTGCGCTGCCAAGGAGA[C>T]AGTAAGTTTGCATAGCAGCTATGGCTTGCACTTTCTTATCCCATTTAAATATTGTTTCCA-3'
Protein context (NP_054860.1, residues 784-804): LSVGPLRCQG[Asp794=]RNYWNAASFP